The following is an entry in ClinVar:

NM_001178015.2(SLC4A10):c.2652T>C (p.His884=)

Gene: SLC4A10 (solute carrier family 4 member 10; plus strand). Cytogenetic location: 2q24.2.
Variant type: single nucleotide variant.
Coding change: c.2652T>C on transcript NM_001178015.2 (MANE Select); coding-DNA position 2652, T replaced by C.
Protein change: p.His884=; no amino-acid change (histidine 884 retained).
Molecular consequence: synonymous variant.
Genome position (GRCh38, 1-based): chr2:161,957,099, T>C. VCF-style: chr2-161957099-T-C. GRCh37 (hg19) VCF-style: chr2-162813609-T-C.
Other names: c.2595T>C, p.His865= (NM_001178016.2, NM_001354445.2); c.2652T>C, p.His884= (NM_001354440.2); c.2685T>C, p.His895= (NM_001354441.2, NM_001354442.2); c.2598T>C, p.His866= (NM_001354443.2, NM_001354447.2); c.2649T>C, p.His883= (NM_001354444.2); c.2562T>C, p.His854= (NM_001354446.2, NM_001354450.2, NM_022058.4); c.2592T>C, p.His864= (NM_001354448.2); c.2559T>C, p.His853= (NM_001354449.2, NM_001354451.2); and 4 more.
Identifiers: ClinVar variation 1256613 (VCV001256613.3), dbSNP rs373234260, ClinGen allele CA1931686.

ClinVar aggregate classification (germline): Likely benign. Review status: criteria provided, single submitter (1 of 4 stars). 2 submissions from 2 submitters: Likely benign (1). 1 of the submissions does not count toward it. Last evaluated 2020-11-16.

Conditions:
SLC4A10-related disorder. Also called: SLC4A10-related condition.

Allele frequency attached by ClinVar (database versions not stated): gnomAD exomes 0.00004 and 0.00006; ExAC 0.00008; gnomAD 0.00028 and 0.00030; TOPMed 0.00029; ESP Exome Variant Server 0.00039.
gnomAD v4.1: 111 of 1,613,518 alleles (0.0069%); highest among the groups gnomAD compares: African/African-American, 0.096%; no homozygotes.

Submissions (2):

Athena Diagnostics
Classification: Likely benign. Last evaluated: 2020-11-16. Review status: criteria provided, single submitter. Criteria: Athena Diagnostics criteria. Collection method: clinical testing. Allele origin: unknown.

PreventionGenetics, part of Exact Sciences
Classification: Likely benign for SLC4A10-related condition. Last evaluated: 2019-04-26. Review status: no assertion criteria provided. Collection method: clinical testing. Allele origin: germline. Not counted in ClinVar's aggregate classification.
Comment: This variant is classified as likely benign based on ACMG/AMP sequence variant interpretation guidelines (Richards et al. 2015 PMID: 25741868, with internal and published modifications).